The following is an entry in ClinVar:

ClinVar aggregate classification (germline): Benign/Likely benign. Review status: criteria provided, multiple submitters, no conflicts (2 of 4 stars). 6 submissions from 6 submitters: Benign (3); Likely benign (2). 1 of the submissions does not count toward it. Last evaluated 2025-10-27.

Conditions:
DNAJC6-related disorder. Also called: DNAJC6-Related Disorders; DNAJC6-related condition.
Juvenile onset Parkinson disease 19A. Also called: PARK19; DNAJC6 Parkinson Disease. Identifiers: Orphanet 391411, MedGen C3809811, MONDO:0014231, OMIM 615528.

Allele frequency attached by ClinVar (database versions not stated): ESP Exome Variant Server 0.01438; gnomAD exomes 0.00134 and 0.00351; ExAC 0.00421; gnomAD 0.01250 and 0.01341; TOPMed 0.01412; 1000 Genomes Project 0.01418; 1000 Genomes Project 30x 0.01437.
gnomAD v4.1: 3,962 of 1,612,544 alleles (0.25%); highest among the groups gnomAD compares: African/African-American, 4.4%; 82 homozygotes.

Submissions (6):

Labcorp Genetics (formerly Invitae), Labcorp
Classification: Benign for Juvenile onset Parkinson disease 19A. Last evaluated: 2025-10-27. Review status: criteria provided, single submitter. Criteria: Invitae Variant Classification Sherloc (09022015). Collection method: clinical testing. Allele origin: germline.

Mayo Clinic Laboratories, Mayo Clinic
Classification: Benign. Last evaluated: 2025-06-30. Review status: criteria provided, single submitter. Criteria: ACMG Guidelines, 2015. Collection method: clinical testing. Allele origin: germline. Observed: 1 variant allele.
Comment: BA1, BS2, BP4, BP7

Genome-Nilou Lab
Classification: Benign for Juvenile onset Parkinson disease 19A. Last evaluated: 2023-04-11. Review status: criteria provided, single submitter. Criteria: ACMG Guidelines, 2015. Collection method: clinical testing. Allele origin: germline. Affected: no.

GeneDx
Classification: Likely benign. Last evaluated: 2021-02-25. Review status: criteria provided, single submitter. Criteria: GeneDx Variant Classification Process June 2021. Collection method: clinical testing. Allele origin: germline. Affected: yes.

Breakthrough Genomics
Classification: Likely benign. Review status: criteria provided, single submitter. Criteria: ACMG Guidelines, 2015. Collection method: not provided. Allele origin: germline. Inheritance: Autosomal recessive inheritance. Affected: yes.

PreventionGenetics, part of Exact Sciences
Classification: Benign for DNAJC6-related condition. Last evaluated: 2019-02-24. Review status: no assertion criteria provided. Collection method: clinical testing. Allele origin: germline. Not counted in ClinVar's aggregate classification.
Comment: This variant is classified as benign based on ACMG/AMP sequence variant interpretation guidelines (Richards et al. 2015 PMID: 25741868, with internal and published modifications).

NM_001256864.2(DNAJC6):c.1710G>A (p.Pro570=)

Gene: DNAJC6 (DnaJ heat shock protein family (Hsp40) member C6; plus strand). Cytogenetic location: 1p31.3.
Variant type: single nucleotide variant.
Coding change: c.1710G>A on transcript NM_001256864.2 (MANE Select); coding-DNA position 1710, G replaced by A.
Protein change: p.Pro570=; no amino-acid change (proline 570 retained).
Molecular consequence: synonymous variant.
Genome position (GRCh38, 1-based): chr1:65,392,672, G>A. VCF-style: chr1-65392672-G-A. GRCh37 (hg19) VCF-style: chr1-65858355-G-A.
Other names: p.Pro570=; c.1500G>A, p.Pro500= (NM_001256865.2); c.1539G>A, p.Pro513= (NM_014787.4).
Identifiers: ClinVar variation 703807 (VCV000703807.20), dbSNP rs7551930, ClinGen allele CA893980.